The following is an entry in ClinVar:

ClinVar aggregate classification (germline): Uncertain significance (1 of 4 stars; one submission).

Submission:

Labcorp Genetics (formerly Invitae), Labcorp
Classification: Uncertain significance. Last evaluated: 2020-07-24. Review status: criteria provided, single submitter. Criteria: Invitae Variant Classification Sherloc (09022015). Collection method: clinical testing. Allele origin: germline.
Comment: Algorithms developed to predict the effect of missense changes on protein structure and function are either unavailable or do not agree on the potential impact of this missense change (SIFT: "Tolerated"; PolyPhen-2: "Possibly Damaging"; Align-GVGD: "Class C0"). This variant has not been reported in the literature in individuals with PLEKHM2-related conditions. This variant is not present in population databases (ExAC no frequency). This sequence change replaces asparagine with lysine at codon 37 of the PLEKHM2 protein (p.Asn37Lys). The asparagine residue is highly conserved and there is a moderate physicochemical difference between asparagine and lysine. In summary, the available evidence is currently insufficient to determine the role of this variant in disease. Therefore, it has been classified as a Variant of Uncertain Significance.

NM_015164.4(PLEKHM2):c.111C>G (p.Asn37Lys)

Gene: PLEKHM2 (pleckstrin homology and RUN domain containing M2; plus strand). Cytogenetic location: 1p36.21.
Variant type: single nucleotide variant.
Coding change: c.111C>G on transcript NM_015164.4 (MANE Select); coding-DNA position 111, C replaced by G.
Protein change: p.Asn37Lys; replaces asparagine 37 with lysine.
Molecular consequence: missense variant.
Genome position (GRCh38, 1-based): chr1:15,716,287, C>G. VCF-style: chr1-15716287-C-G. GRCh37 (hg19) VCF-style: chr1-16042782-C-G.
Other names: short protein forms N37K.
Identifiers: ClinVar variation 1038041 (VCV001038041.8), dbSNP rs1641444723, ClinGen allele CA338577378.